The following is an entry in ClinVar:

NM_134261.3(RORA):c.914A>C (p.Gln305Pro)

Genes: RORA (RAR related orphan receptor A; minus strand), RORA-AS1 (RORA antisense RNA 1; plus strand). Cytogenetic location: 15q22.2.
Variant type: single nucleotide variant.
Coding change: c.914A>C on transcript NM_134261.3 (MANE Select); coding-DNA position 914, A replaced by C.
Protein change: p.Gln305Pro; replaces glutamine 305 with proline.
Molecular consequence: missense variant.
Genome position (GRCh38, 1-based): chr15:60,505,536, T>G on the plus strand (A>C on the coding strand, the complement: RORA is on the minus strand). VCF-style: chr15-60505536-T-G. GRCh37 (hg19) VCF-style: chr15-60797735-T-G.
Other names: c.989A>C, p.Gln330Pro (NM_002943.4); c.1013A>C, p.Gln338Pro (NM_134260.3); c.749A>C, p.Gln250Pro (NM_134262.3); short protein forms Q250P, Q305P, Q330P, Q338P.
Identifiers: ClinVar variation 4076743 (VCV004076743.1).

ClinVar aggregate classification (germline): Uncertain significance (1 of 4 stars; one submission).

Submission:

GeneDx
Classification: Uncertain significance. Last evaluated: 2025-02-22. Review status: criteria provided, single submitter. Criteria: GeneDx Variant Classification Process June 2021. Collection method: clinical testing. Allele origin: germline. Affected: yes.
Comment: Not observed at significant frequency in large population cohorts (gnomAD); In silico analysis indicates that this missense variant does not alter protein structure/function; Has not been previously published as pathogenic or benign to our knowledge